The following is an entry in ClinVar:

NM_003072.5(SMARCA4):c.963C>T (p.Ala321=)

Gene: SMARCA4 (SWI/SNF related BAF chromatin remodeling complex subunit ATPase 4; plus strand). Cytogenetic location: 19p13.2.
Variant type: single nucleotide variant.
Coding change: c.963C>T on transcript NM_003072.5 (MANE Select); coding-DNA position 963, C replaced by T.
Protein change: p.Ala321=; no amino-acid change (alanine 321 retained).
Molecular consequence: synonymous variant. On other transcripts: non-coding transcript variant (1).
Genome position (GRCh38, 1-based): chr19:10,987,769, C>T. VCF-style: chr19-10987769-C-T. GRCh37 (hg19) VCF-style: chr19-11098445-C-T.
Other names: c.963C>T, p.Ala321= (NM_001128844.3, NM_001128845.2, NM_001128846.2 and 5 more transcripts).
Identifiers: ClinVar variation 484890 (VCV000484890.19), dbSNP rs371214843, ClinGen allele CA9203643.

ClinVar aggregate classification (germline): Benign/Likely benign. Review status: criteria provided, multiple submitters, no conflicts (2 of 4 stars). 5 submissions from 5 submitters: Benign (2); Likely benign (3). Last evaluated 2026-07-09.

Conditions:
Hereditary cancer-predisposing syndrome. Also called: Tumor predisposition; Neoplastic Syndromes, Hereditary; Hereditary Cancer Syndrome; Hereditary neoplastic syndrome. Identifiers: Orphanet 140162, MedGen C0027672, MeSH D009386, MONDO:0015356.
Rhabdoid tumor predisposition syndrome 2 (RTPS2). Identifiers: Orphanet 231108, Orphanet 69077, MedGen C2750074, MONDO:0013224, OMIM 613325.
SMARCA4-related disorder. Also called: SMARCA4-related condition.

Allele frequency attached by ClinVar (database versions not stated): gnomAD exomes 0.00002 and 0.00003; gnomAD 0.00001 and 0.00002; ExAC 0.00004; ESP Exome Variant Server 0.00008; TOPMed 0.00004.
gnomAD v4.1: 29 of 1,598,372 alleles (0.0018%); highest among the groups gnomAD compares: South Asian, 0.0089%; no homozygotes.

Submissions (5):

Myriad Genetics, Inc.
Classification: Benign for Rhabdoid tumor predisposition syndrome 2. Last evaluated: 2026-07-09. Review status: criteria provided, single submitter. Criteria: Myriad Autosomal Dominant, Autosomal Recessive and X-Linked Classification Criteria (2023). Collection method: clinical testing. Allele origin: unknown.
Comment: This variant is considered benign. This variant is a silent/synonymous amino acid change and it is not expected to impact splicing.

Labcorp Genetics (formerly Invitae), Labcorp
Classification: Likely benign for Rhabdoid tumor predisposition syndrome 2. Last evaluated: 2026-01-11. Review status: criteria provided, single submitter. Criteria: Invitae Variant Classification Sherloc (09022015). Collection method: clinical testing. Allele origin: germline.

PreventionGenetics, part of Exact Sciences
Classification: Likely benign for SMARCA4-related condition. Last evaluated: 2025-06-17. Review status: criteria provided, single submitter. Criteria: ACMG Guidelines, 2015. Collection method: clinical testing. Allele origin: germline.
Comment: This variant is classified as likely benign based on ACMG/AMP sequence variant interpretation guidelines (Richards et al. 2015 PMID: 25741868, with internal and published modifications).

Sema4
Classification: Benign for Hereditary cancer-predisposing syndrome. Last evaluated: 2021-07-09. Review status: criteria provided, single submitter. Criteria: Sema4 Curation Guidelines. Collection method: curation. Allele origin: germline.

Ambry Genetics
Classification: Likely benign for Hereditary cancer-predisposing syndrome. Last evaluated: 2016-12-23. Review status: criteria provided, single submitter. Criteria: Ambry Variant Classification Scheme 2023. Collection method: clinical testing. Allele origin: germline.